The following is an entry in ClinVar:

ClinVar aggregate classification (germline): Uncertain significance (1 of 4 stars; one submission).

Conditions:
Inborn genetic diseases. Identifiers: MedGen C0950123, MeSH D030342.

Submission:

Ambry Genetics
Classification: Uncertain significance for Inborn genetic diseases. Last evaluated: 2025-05-08. Review status: criteria provided, single submitter. Criteria: Ambry Variant Classification Scheme 2023. Collection method: clinical testing. Allele origin: germline.
Comment: The p.A417V variant (also known as c.1250C>T), located in coding exon 9 of the BUB1B gene, results from a C to T substitution at nucleotide position 1250. The alanine at codon 417 is replaced by valine, an amino acid with similar properties. This amino acid position is conserved. In addition, the in silico prediction for this alteration is inconclusive. Based on the available evidence, the clinical significance of this variant remains unclear.

NM_001211.6(BUB1B):c.1250C>T (p.Ala417Val)

Gene: BUB1B (BUB1 mitotic checkpoint serine/threonine kinase B; plus strand). Cytogenetic location: 15q15.1.
Variant type: single nucleotide variant.
Coding change: c.1250C>T on transcript NM_001211.6 (MANE Select); coding-DNA position 1250, C replaced by T.
Protein change: p.Ala417Val; replaces alanine 417 with valine.
Molecular consequence: missense variant.
Genome position (GRCh38, 1-based): chr15:40,196,736, C>T. VCF-style: chr15-40196736-C-T. GRCh37 (hg19) VCF-style: chr15-40488937-C-T.
Other names: short protein forms A417V.
Identifiers: ClinVar variation 3993719 (VCV003993719.1).